The following is an entry in ClinVar:

ClinVar aggregate classification (germline): Uncertain significance (1 of 4 stars; one submission).

Conditions:
Familial cancer of breast. Also called: BREAST CANCER, FAMILIAL; Hereditary breast cancer; hereditary breast carcinoma. Identifiers: Orphanet 227535, MedGen C0346153, MONDO:0016419, OMIM 114480. Disease mechanism: loss of function.

Submission:

Labcorp Genetics (formerly Invitae), Labcorp
Classification: Uncertain significance for Familial cancer of breast. Last evaluated: 2025-05-15. Review status: criteria provided, single submitter. Criteria: Invitae Variant Classification Sherloc (09022015). Collection method: clinical testing. Allele origin: germline.
Comment: This sequence change replaces proline, which is neutral and non-polar, with leucine, which is neutral and non-polar, at codon 187 of the BARD1 protein (p.Pro187Leu). This variant is not present in population databases (gnomAD no frequency). This variant has not been reported in the literature in individuals affected with BARD1-related conditions. An algorithm developed to predict the effect of missense changes on protein structure and function outputs the following: PolyPhen-2: "Benign". The leucine amino acid residue is found in multiple mammalian species, which suggests that this missense change does not adversely affect protein function. In summary, the available evidence is currently insufficient to determine the role of this variant in disease. Therefore, it has been classified as a Variant of Uncertain Significance.

NM_000465.4(BARD1):c.560C>T (p.Pro187Leu)

Gene: BARD1 (BRCA1 associated RING domain 1; minus strand). Cytogenetic location: 2q35.
Variant type: single nucleotide variant.
Coding change: c.560C>T on transcript NM_000465.4 (MANE Select); coding-DNA position 560, C replaced by T.
Protein change: p.Pro187Leu; replaces proline 187 with leucine.
Molecular consequence: missense variant. On other transcripts: non-coding transcript variant (2), intron variant (3).
Genome position (GRCh38, 1-based): chr2:214,781,314, G>A on the plus strand (C>T on the coding strand, the complement: BARD1 is on the minus strand). VCF-style: chr2-214781314-G-A. GRCh37 (hg19) VCF-style: chr2-215646038-G-A.
Other names: c.503C>T, p.Pro168Leu (NM_001282543.2); c.158+28098C>T (NM_001282548.2); c.215+15747C>T (NM_001282545.2); c.364+10983C>T (NM_001282549.2); short protein forms P187L, P168L.
Identifiers: ClinVar variation 4738797 (VCV004738797.1).
Genomic context (GRCh38, chr2:214,781,314, plus strand): 5'-TTTTGCTTTTTTCCAGATCTTGCAGAAGCCTTTTTAGCCCTCTCAGAAACATCTGCAGGA[G>A]GACTTGGGGAAACAAATTCATATGAGTCTTGCTGAGCACTTGCATCTTTTTTTATTGCAG-3'
Protein context (NP_000456.2, residues 177-197): QDSYEFVSPS[Pro187Leu]PADVSERAKK